The following is an entry in ClinVar:

ClinVar aggregate classification (germline): Uncertain significance (1 of 4 stars; one submission).

Allele frequency attached by ClinVar (database versions not stated): gnomAD exomes 0.00003; ExAC 0.00010; 1000 Genomes Project 30x 0.00016; TOPMed below 0.00001; gnomAD 0.00001; 1000 Genomes Project 0.00020.
gnomAD v4.1: 47 of 1,614,156 alleles (0.0029%); highest among the groups gnomAD compares: South Asian, 0.051%; no homozygotes.

Submission:

Labcorp Genetics (formerly Invitae), Labcorp
Classification: Uncertain significance. Last evaluated: 2023-03-04. Review status: criteria provided, single submitter. Criteria: Invitae Variant Classification Sherloc (09022015). Collection method: clinical testing. Allele origin: germline.
Comment: This sequence change replaces aspartic acid, which is acidic and polar, with glycine, which is neutral and non-polar, at codon 138 of the COQ6 protein (p.Asp138Gly). This variant is present in population databases (rs563933214, gnomAD 0.06%). This variant has not been reported in the literature in individuals affected with COQ6-related conditions. Advanced modeling of protein sequence and biophysical properties (such as structural, functional, and spatial information, amino acid conservation, physicochemical variation, residue mobility, and thermodynamic stability) has been performed at Invitae for this missense variant, however the output from this modeling did not meet the statistical confidence thresholds required to predict the impact of this variant on COQ6 protein function. In summary, the available evidence is currently insufficient to determine the role of this variant in disease. Therefore, it has been classified as a Variant of Uncertain Significance.

NM_182476.3(COQ6):c.413A>G (p.Asp138Gly)

Genes: ENTPD5 (ectonucleoside triphosphate diphosphohydrolase 5; minus strand), COQ6 (coenzyme Q6, monooxygenase; plus strand). Cytogenetic location: 14q24.3.
Variant type: single nucleotide variant.
Coding change: c.413A>G on transcript NM_182476.3 (MANE Select); coding-DNA position 413, A replaced by G.
Protein change: p.Asp138Gly; replaces aspartic acid 138 with glycine.
Molecular consequence: missense variant. On other transcripts: intron variant (3).
Genome position (GRCh38, 1-based): chr14:73,955,860, A>G. VCF-style: chr14-73955860-A-G. GRCh37 (hg19) VCF-style: chr14-74422563-A-G.
Other names: c.413A>G, p.Asp138Gly (NM_001425255.1, NM_001425256.1); c.248A>G, p.Asp83Gly (NM_001425257.1); c.338A>G, p.Asp113Gly (NM_001425258.1, NM_182480.3); c.188A>G, p.Asp63Gly (NM_001425259.1, NM_001425260.1, NM_001425261.1); c.86A>G, p.Asp29Gly (NM_001425263.1); c.4A>G, p.Thr2Ala (NM_001425264.1, NM_001425265.1); c.357+351A>G (NM_001425262.1); c.1201-273T>C (NM_001382258.1); and 1 more; short protein forms D113G, D138G.
Identifiers: ClinVar variation 2722116 (VCV002722116.3), dbSNP rs563933214, ClinGen allele CA7264163.